The following is an entry in ClinVar:

NM_001035.3(RYR2):c.9128+177G>T

Gene: RYR2 (ryanodine receptor 2; plus strand). Cytogenetic location: 1q43.
Variant type: single nucleotide variant.
Coding change: c.9128+177G>T on transcript NM_001035.3 (MANE Select); 177 bases into the intron after coding-DNA position 9128, G replaced by T.
Molecular consequence: intron variant.
Genome position (GRCh38, 1-based): chr1:237,699,202, G>T. VCF-style: chr1-237699202-G-T. GRCh37 (hg19) VCF-style: chr1-237862502-G-T.
Identifiers: ClinVar variation 672434 (VCV000672434.1), dbSNP rs12121414, ClinGen allele CA39785621.

ClinVar aggregate classification (germline): Likely benign (1 of 4 stars; one submission).

Allele frequency attached by ClinVar (database versions not stated): 1000 Genomes Project 0.02137; 1000 Genomes Project 30x 0.02139; gnomAD 0.03210 and 0.03271; TOPMed 0.03329.
gnomAD v4.1: 4,888 of 152,196 alleles (3.2%); highest among the groups gnomAD compares: Middle Eastern, 6.1%; 108 homozygotes.

Submission:

GeneDx
Classification: Likely benign. Last evaluated: 2018-06-19. Review status: criteria provided, single submitter. Criteria: GeneDx Variant Classification (06012015). Collection method: clinical testing. Allele origin: germline. Affected: yes.
Comment: This variant is considered likely benign or benign based on one or more of the following criteria: it is a conservative change, it occurs at a poorly conserved position in the protein, it is predicted to be benign by multiple in silico algorithms, and/or has population frequency not consistent with disease.